The following is an entry in ClinVar:

NM_016203.4(PRKAG2):c.684C>T (p.Ala228=)

Gene: PRKAG2 (protein kinase AMP-activated non-catalytic subunit gamma 2; minus strand). Cytogenetic location: 7q36.1.
Variant type: single nucleotide variant.
Coding change: c.684C>T on transcript NM_016203.4 (MANE Select); coding-DNA position 684, C replaced by T.
Protein change: p.Ala228=; no amino-acid change (alanine 228 retained).
Molecular consequence: synonymous variant.
Genome position (GRCh38, 1-based): chr7:151,675,420, G>A on the plus strand (C>T on the coding strand, the complement: PRKAG2 is on the minus strand). VCF-style: chr7-151675420-G-A. GRCh37 (hg19) VCF-style: chr7-151372506-G-A.
Other names: c.552C>T, p.Ala184= (NM_001040633.2); c.312C>T, p.Ala104= (NM_001304527.2, NM_001363698.2).
Identifiers: ClinVar variation 410719 (VCV000410719.31), dbSNP rs151108625, ClinGen allele CA16612203.

ClinVar aggregate classification (germline): Conflicting classifications of pathogenicity. Review status: criteria provided, conflicting classifications (1 of 4 stars). 6 submissions from 6 submitters: Uncertain significance (1); Benign (1); Likely benign (4). Last evaluated 2025-12-24.

Conditions:
Cardiovascular phenotype. Identifiers: MedGen CN230736.
Cardiomyopathy (CMYO). Also called: Cardiomyopathies. Identifiers: Orphanet 167848, MedGen C0878544, MONDO:0004994, HP:0001638. Inheritance: Various modes of inheritance.
Lethal congenital glycogen storage disease of heart. Also called: PHOSPHORYLASE KINASE DEFICIENCY OF HEART; GLYCOGEN STORAGE DISEASE OF HEART. Identifiers: Orphanet 439854, MedGen C1849813, MONDO:0009867, OMIM 261740.
Hypertrophic cardiomyopathy. Also called: HYPERTROPHIC MYOCARDIOPATHY. Identifiers: Orphanet 217569, MedGen C0007194, MeSH D002312, MONDO:0005045, HP:0001639.

Allele frequency attached by ClinVar (database versions not stated): gnomAD 0.00001; gnomAD exomes 0.00001; TOPMed 0.00002; ESP Exome Variant Server 0.00008.
gnomAD v4.1: 12 of 1,613,626 alleles (0.00074%); highest among the groups gnomAD compares: African/African-American, 0.0027%; no homozygotes.

Submissions (6):

Labcorp Genetics (formerly Invitae), Labcorp
Classification: Uncertain significance for Lethal congenital glycogen storage disease of heart. Last evaluated: 2025-12-24. Review status: criteria provided, single submitter. Criteria: Invitae Variant Classification Sherloc (09022015). Collection method: clinical testing. Allele origin: germline.
Comment: This sequence change affects codon 228 of the PRKAG2 mRNA. It is a 'silent' change, meaning that it does not change the encoded amino acid sequence of the PRKAG2 protein. It affects a nucleotide within the consensus splice site. This variant is present in population databases (rs151108625, gnomAD 0.004%). This variant has not been reported in the literature in individuals affected with PRKAG2-related conditions. ClinVar contains an entry for this variant (Variation ID: 410719). Algorithms developed to predict the effect of sequence changes on RNA splicing suggest that this variant is not likely to affect RNA splicing. In summary, the available evidence is currently insufficient to determine the role of this variant in disease. Therefore, it has been classified as a Variant of Uncertain Significance.

CeGaT Center for Human Genetics Tuebingen
Classification: Likely benign. Last evaluated: 2024-11-01. Review status: criteria provided, single submitter. Criteria: CeGaT Center For Human Genetics Tuebingen Variant Classification Criteria Version 2. Collection method: clinical testing. Allele origin: germline. Affected: yes. Observed: 1 variant allele.
Comment: PRKAG2: BP4, BP7

All of Us Research Program, National Institutes of Health
Classification: Likely benign for Hypertrophic cardiomyopathy. Last evaluated: 2023-08-15. Review status: criteria provided, single submitter. Criteria: ACMG Guidelines, 2015. Collection method: clinical testing. Allele origin: germline. Inheritance: Autosomal dominant inheritance. Observed: 2 variant alleles, 2 heterozygotes.
Comment: This study involves interpretation of variants in research participants for the purpose of population health screening. Participant phenotype was not available at the time of variant classification. Additional details can be found in publication PMID: 35346344, PMCID: PMC8962531

Ambry Genetics
Classification: Likely benign for Cardiovascular phenotype. Last evaluated: 2021-08-04. Review status: criteria provided, single submitter. Criteria: Ambry Variant Classification Scheme 2023. Collection method: clinical testing. Allele origin: germline.

Color Diagnostics, LLC DBA Color Health
Classification: Likely benign for Cardiomyopathy. Last evaluated: 2019-10-14. Review status: criteria provided, single submitter. Criteria: ACMG Guidelines, 2015. Collection method: clinical testing. Allele origin: germline.

GeneDx
Classification: Benign. Last evaluated: 2015-03-03. Review status: criteria provided, single submitter. Criteria: GeneDx Variant Classification Process June 2021. Collection method: clinical testing. Allele origin: germline. Affected: yes.